The following is an entry in ClinVar:

ClinVar aggregate classification (germline): Benign/Likely benign. Review status: criteria provided, multiple submitters, no conflicts (2 of 4 stars). 9 submissions from 9 submitters: Benign (2); Likely benign (7). Last evaluated 2026-09-11.

Conditions:
ALK-related disorder. Also called: ALK-related condition.
Neuroblastoma, susceptibility to, 3. Also called: ALK-Related Neuroblastic Tumor Susceptibility. Identifiers: Orphanet 635, MedGen C2751681, MONDO:0013083, OMIM 613014.
Hereditary cancer-predisposing syndrome. Also called: Tumor predisposition; Hereditary Cancer Syndrome; Neoplastic Syndromes, Hereditary; Hereditary neoplastic syndrome. Identifiers: Orphanet 140162, MedGen C0027672, MeSH D009386, MONDO:0015356.

Allele frequency attached by ClinVar (database versions not stated): ExAC 0.00012; gnomAD exomes 0.00013 and 0.00021; ESP Exome Variant Server 0.00015; gnomAD 0.00016 and 0.00017; TOPMed 0.00016.
gnomAD v4.1: 319 of 1,614,144 alleles (0.02%); highest among the groups gnomAD compares: Non-Finnish European, 0.025%; 2 homozygotes.

Submissions (9):

PreventionGenetics, part of Exact Sciences
Classification: Likely benign for ALK-related condition. Last evaluated: 2026-09-11. Review status: criteria provided, single submitter. Criteria: ACMG Guidelines, 2015. Collection method: clinical testing. Allele origin: germline.
Comment: This variant is classified as likely benign based on ACMG/AMP sequence variant interpretation guidelines (Richards et al. 2015 PMID: 25741868, with internal and published modifications).

CeGaT Center for Human Genetics Tuebingen
Classification: Likely benign. Last evaluated: 2026-05-01. Review status: criteria provided, single submitter. Criteria: CeGaT Center For Human Genetics Tuebingen Variant Classification Criteria Version 2. Collection method: clinical testing. Allele origin: germline. Affected: yes. Observed: 3 variant alleles.
Comment: ALK: BP4, BP7

Labcorp Genetics (formerly Invitae), Labcorp
Classification: Likely benign for Neuroblastoma, susceptibility to, 3. Last evaluated: 2026-01-26. Review status: criteria provided, single submitter. Criteria: Invitae Variant Classification Sherloc (09022015). Collection method: clinical testing. Allele origin: germline.

Blueprint Genetics
Classification: Likely benign. Last evaluated: 2024-09-11. Review status: criteria provided, single submitter. Criteria: ACMG Guidelines, 2015. Collection method: clinical testing. Allele origin: germline.

KCCC/NGS Laboratory, Kuwait Cancer Control Center
Classification: Likely benign for Neuroblastoma, susceptibility to, 3. Last evaluated: 2023-07-07. Review status: criteria provided, single submitter. Criteria: ACMG Guidelines, 2015. Collection method: clinical testing. Allele origin: germline. Affected: yes.

Fulgent Genetics
Classification: Likely benign for Neuroblastoma, susceptibility to, 3. Last evaluated: 2022-05-18. Review status: criteria provided, single submitter. Criteria: ACMG Guidelines, 2015. Collection method: clinical testing. Allele origin: unknown.

Sema4
Classification: Benign for Hereditary cancer-predisposing syndrome. Last evaluated: 2020-11-30. Review status: criteria provided, single submitter. Criteria: Sema4 Curation Guidelines. Collection method: curation. Allele origin: germline.

Illumina Laboratory Services, Illumina
Classification: Benign for Neuroblastoma, susceptibility to, 3. Last evaluated: 2017-04-28. Review status: criteria provided, single submitter. Criteria: ICSL Variant Classification Criteria 13 December 2019. Collection method: clinical testing. Allele origin: germline.
Comment: This variant was observed as part of a predisposition screen in an ostensibly healthy population. A literature search was performed for the gene, cDNA change, and amino acid change (where applicable). Publications were found based on this search. The evidence from the literature, in combination with allele frequency data from public databases where available, was sufficient to rule this variant out of causing disease. Therefore, this variant is classified as benign.

Ambry Genetics
Classification: Likely benign for Hereditary cancer-predisposing syndrome. Last evaluated: 2016-11-23. Review status: criteria provided, single submitter. Criteria: Ambry Variant Classification Scheme 2023. Collection method: clinical testing. Allele origin: germline.

Literature cited by the submitters: PubMed 21637378 (cited by Illumina Laboratory Services, Illumina).

NM_004304.5(ALK):c.2478C>T (p.Tyr826=)

Gene: ALK (ALK receptor tyrosine kinase; minus strand). Cytogenetic location: 2p23.2.
Variant type: single nucleotide variant.
Coding change: c.2478C>T on transcript NM_004304.5 (MANE Select); coding-DNA position 2478, C replaced by T.
Protein change: p.Tyr826=; no amino-acid change (tyrosine 826 retained).
Molecular consequence: synonymous variant.
Genome position (GRCh38, 1-based): chr2:29,233,574, G>A on the plus strand (C>T on the coding strand, the complement: ALK is on the minus strand). VCF-style: chr2-29233574-G-A. GRCh37 (hg19) VCF-style: chr2-29456440-G-A.
Identifiers: ClinVar variation 239806 (VCV000239806.48), dbSNP rs142126984, ClinGen allele CA1594303.
Genomic context (GRCh38, chr2:29,233,574, plus strand): 5'-ACATTGCAGATGCACAGGAACCTGGTGGAAATCTGGCAGCACACACCATACCTTAAATAC[G>A]TAGGTGGCTCCACCCCCTCCTCCTCCGCCTCCTGCCCACTCATGCACGCTTCTGTTCACA-3'
Protein context (NP_004295.2, residues 816-836): GGGGGGGGAT[Tyr826=]VFKMKDGVPV